The following is an entry in ClinVar:

NM_000744.7(CHRNA4):c.109G>A (p.Glu37Lys)

Gene: CHRNA4 (cholinergic receptor nicotinic alpha 4 subunit; minus strand). Cytogenetic location: 20q13.33.
Variant type: single nucleotide variant.
Coding change: c.109G>A on transcript NM_000744.7 (MANE Select); coding-DNA position 109, G replaced by A.
Protein change: p.Glu37Lys; replaces glutamic acid 37 with lysine.
Molecular consequence: missense variant. On other transcripts: 5 prime UTR variant (1), non-coding transcript variant (1).
Genome position (GRCh38, 1-based): chr20:63,359,667, C>T on the plus strand (G>A on the coding strand, the complement: CHRNA4 is on the minus strand). VCF-style: chr20-63359667-C-T. GRCh37 (hg19) VCF-style: chr20-61991019-C-T.
Other names: c.-438G>A (NM_001256573.2); short protein forms E37K.
Identifiers: ClinVar variation 1046729 (VCV001046729.9), dbSNP rs778087682, ClinGen allele CA9957969.
Genomic context (GRCh38, chr20:63,359,667, plus strand): 5'-TGGCCACGGGTCGGGACCACTTGTTGTAACCGGAGAAGAGTTTCTTCAGGAGCCGCTCCT[C>T]GGCGTGGGCCCGGGTCTCCACATGGCTGCTGGCTGCGGGGAGAGGCAGGCCAGTGGCTCA-3'
Protein context (NP_000735.1, residues 27-47): SSHVETRAHA[Glu37Lys]ERLLKKLFSG

ClinVar aggregate classification (germline): Uncertain significance. Review status: criteria provided, multiple submitters, no conflicts (2 of 4 stars). 2 submissions from 2 submitters: Uncertain significance (2). Last evaluated 2025-02-02.

Conditions:
Familial sleep-related hypermotor epilepsy. Also called: Autosomal Dominant Sleep-Related Hypermotor (Hyperkinetic) Epilepsy. Identifiers: Orphanet 98784, MedGen C3696898, MONDO:0000030.

Allele frequency attached by ClinVar (database versions not stated): gnomAD exomes 0.00001 and 0.00003; gnomAD 0.00002 and 0.00003; TOPMed 0.00002; ExAC 0.00005.
gnomAD v4.1: 21 of 1,611,700 alleles (0.0013%); highest among the groups gnomAD compares: South Asian, 0.0099%; 1 homozygote.

Submissions (2):

Labcorp Genetics (formerly Invitae), Labcorp
Classification: Uncertain significance. Last evaluated: 2025-02-02. Review status: criteria provided, single submitter. Criteria: Invitae Variant Classification Sherloc (09022015). Collection method: clinical testing. Allele origin: germline.
Comment: This sequence change replaces glutamic acid, which is acidic and polar, with lysine, which is basic and polar, at codon 37 of the CHRNA4 protein (p.Glu37Lys). This variant is present in population databases (rs778087682, gnomAD 0.006%). This variant has not been reported in the literature in individuals affected with CHRNA4-related conditions. ClinVar contains an entry for this variant (Variation ID: 1046729). Invitae Evidence Modeling of protein sequence and biophysical properties (such as structural, functional, and spatial information, amino acid conservation, physicochemical variation, residue mobility, and thermodynamic stability) indicates that this missense variant is expected to disrupt CHRNA4 protein function with a positive predictive value of 80%. In summary, the available evidence is currently insufficient to determine the role of this variant in disease. Therefore, it has been classified as a Variant of Uncertain Significance.

Blueprint Genetics
Classification: Uncertain significance. Last evaluated: 2024-03-26. Review status: criteria provided, single submitter. Criteria: ACMG Guidelines, 2015. Collection method: clinical testing. Allele origin: germline.